The following is an entry in ClinVar:

ClinVar aggregate classification (germline): Benign/Likely benign. Review status: criteria provided, multiple submitters, no conflicts (2 of 4 stars). 5 submissions from 3 submitters: Benign (3); Likely benign (2). Last evaluated 2021-05-13.

Conditions:
Autosomal dominant nonsyndromic hearing loss 11. Identifiers: Orphanet 90635, MedGen C1832475, MONDO:0011032, OMIM 601317.
Autosomal recessive nonsyndromic hearing loss 2. Also called: DEAFNESS, AUTOSOMAL RECESSIVE 2; NEUROSENSORY NONSYNDROMIC RECESSIVE DEAFNESS 2. Identifiers: Orphanet 90636, MedGen C1838701, MONDO:0010807, OMIM 600060.
Usher syndrome type 1 (USH1). Also called: RETINITIS PIGMENTOSA AND CONGENITAL DEAFNESS. Identifiers: Orphanet 231169, Orphanet 886, MedGen C1568247, MONDO:0010168, OMIM 276900.

Allele frequency attached by ClinVar (database versions not stated): 1000 Genomes Project 0.03395; 1000 Genomes Project 30x 0.03607; gnomAD 0.07204 and 0.07374; TOPMed 0.07361; gnomAD exomes 0.10192.
gnomAD v4.1: 11,854 of 160,464 alleles (7.4%); highest among the groups gnomAD compares: Middle Eastern, 13%; 578 homozygotes.

Submissions (5):

GeneDx
Classification: Benign. Last evaluated: 2021-05-13. Review status: criteria provided, single submitter. Criteria: GeneDx Variant Classification Process June 2021. Collection method: clinical testing. Allele origin: germline. Affected: yes.

Illumina Laboratory Services, Illumina
Classification: Benign for Autosomal dominant nonsyndromic hearing loss 11. Last evaluated: 2018-01-12. Review status: criteria provided, single submitter. Criteria: ICSL Variant Classification Criteria 13 December 2019. Collection method: clinical testing. Allele origin: germline.
Comment: This variant was observed in the ICSL laboratory as part of a predisposition screen in an ostensibly healthy population. It had not been previously curated by ICSL or reported in the Human Gene Mutation Database (HGMD: prior to June 1st, 2018), and was therefore a candidate for classification through an automated scoring system. Utilizing variant allele frequency, disease prevalence and penetrance estimates, and inheritance mode, an automated score was calculated to assess if this variant is too frequent to cause the disease. Based on the score and internal cut-off values, a variant classified as benign is not then subjected to further curation. The score for this variant resulted in a classification of benign for this disease.

Illumina Laboratory Services, Illumina
Classification: Benign for Usher syndrome type 1. Last evaluated: 2018-01-12. Review status: criteria provided, single submitter. Criteria: ICSL Variant Classification Criteria 13 December 2019. Collection method: clinical testing. Allele origin: germline.
Comment: the same text as in the submission from Illumina Laboratory Services, Illumina above.

Illumina Laboratory Services, Illumina
Classification: Likely benign for Autosomal recessive nonsyndromic hearing loss 2. Last evaluated: 2018-01-12. Review status: criteria provided, single submitter. Criteria: ICSL Variant Classification Criteria 13 December 2019. Collection method: clinical testing. Allele origin: germline.
Comment: This variant was observed in the ICSL laboratory as part of a predisposition screen in an ostensibly healthy population. It had not been previously curated by ICSL or reported in the Human Gene Mutation Database (HGMD: prior to June 1st, 2018), and was therefore a candidate for classification through an automated scoring system. Utilizing variant allele frequency, disease prevalence and penetrance estimates, and inheritance mode, an automated score was calculated to assess if this variant is too frequent to cause the disease. Based on the score and internal cut-off values, a variant classified as likely benign is not then subjected to further curation. The score for this variant resulted in a classification of likely benign for this disease.

Breakthrough Genomics
Classification: Likely benign. Review status: criteria provided, single submitter. Criteria: ACMG Guidelines, 2015. Collection method: not provided. Allele origin: germline. Inheritance: Autosomal recessive inheritance. Affected: yes.

NM_000260.4(MYO7A):c.*504C>T

Gene: MYO7A (myosin VIIA; plus strand). Cytogenetic location: 11q13.5.
Variant type: single nucleotide variant.
Coding change: c.*504C>T on transcript NM_000260.4 (MANE Select); 504 bases downstream of the stop codon, C replaced by T.
Molecular consequence: 3 prime UTR variant.
Genome position (GRCh38, 1-based): chr11:77,215,200, C>T. VCF-style: chr11-77215200-C-T. GRCh37 (hg19) VCF-style: chr11-76926245-C-T.
Other names: c.*504C>T (NM_001127180.2, NM_001369365.1).
Identifiers: ClinVar variation 306210 (VCV000306210.7), dbSNP rs34765389, ClinGen allele CA10631573.